The following is an entry in ClinVar:

NM_001283009.2(RTEL1):c.2431G>T (p.Asp811Tyr)

Genes: RTEL1 (regulator of telomere elongation helicase 1; plus strand), RTEL1-TNFRSF6B (RTEL1-TNFRSF6B readthrough (NMD candidate); plus strand). Cytogenetic location: 20q13.33.
Variant type: single nucleotide variant.
Coding change: c.2431G>T on transcript NM_001283009.2 (MANE Select); coding-DNA position 2431, G replaced by T.
Protein change: p.Asp811Tyr; replaces aspartic acid 811 with tyrosine.
Molecular consequence: missense variant. On other transcripts: non-coding transcript variant (1).
Genome position (GRCh38, 1-based): chr20:63,690,822, G>T. VCF-style: chr20-63690822-G-T. GRCh37 (hg19) VCF-style: chr20-62322175-G-T.
Other names: c.1762G>T, p.Asp588Tyr (NM_001283010.1); c.2431G>T, p.Asp811Tyr (NM_016434.4); c.2503G>T, p.Asp835Tyr (NM_032957.5); short protein forms D588Y, D811Y, D835Y.
Identifiers: ClinVar variation 2942458 (VCV002942458.4), dbSNP rs2517147384, ClinGen allele CA409681400.

ClinVar aggregate classification (germline): Uncertain significance. Review status: criteria provided, multiple submitters, no conflicts (2 of 4 stars). 2 submissions from 2 submitters: Uncertain significance (2). Last evaluated 2025-11-16.

Conditions:
Dyskeratosis congenita, autosomal recessive 5 (DKCB5). Identifiers: MedGen C3554656, MONDO:0014076, OMIM 615190.
Pulmonary fibrosis and/or bone marrow failure, Telomere-related, 3. Also called: PULMONARY FIBROSIS AND/OR BONE MARROW FAILURE SYNDROME, TELOMERE-RELATED, 3. Identifiers: Orphanet 2032, MedGen C4225346, MONDO:0014613, OMIM 616373.
Inborn genetic diseases. Identifiers: MedGen C0950123, MeSH D030342.

Allele frequency attached by ClinVar (database versions not stated): gnomAD exomes below 0.00001.
gnomAD v4.1: 4 of 1,604,684 alleles (0.00025%); highest among the groups gnomAD compares: Non-Finnish European, 0.00034%; no homozygotes.

Submissions (2):

Ambry Genetics
Classification: Uncertain significance for Inborn genetic diseases. Last evaluated: 2025-11-16. Review status: criteria provided, single submitter. Criteria: Ambry Variant Classification Scheme 2023. Collection method: clinical testing. Allele origin: germline.
Comment: The p.D811Y variant (also known as c.2431G>T), located in coding exon 26 of the RTEL1 gene, results from a G to T substitution at nucleotide position 2431. The aspartic acid at codon 811 is replaced by tyrosine, an amino acid with highly dissimilar properties. This amino acid position is conserved. In addition, this alteration is predicted to be tolerated by in silico analysis. Based on the available evidence, the clinical significance of this variant remains unclear.

Labcorp Genetics (formerly Invitae), Labcorp
Classification: Uncertain significance for Dyskeratosis congenita, autosomal recessive 5; Pulmonary fibrosis and/or bone marrow failure, Telomere-related, 3. Last evaluated: 2025-05-11. Review status: criteria provided, single submitter. Criteria: Invitae Variant Classification Sherloc (09022015). Collection method: clinical testing. Allele origin: germline.
Comment: This sequence change replaces aspartic acid, which is acidic and polar, with tyrosine, which is neutral and polar, at codon 811 of the RTEL1 protein (p.Asp811Tyr). This variant is not present in population databases (gnomAD no frequency). This variant has not been reported in the literature in individuals affected with RTEL1-related conditions. ClinVar contains an entry for this variant (Variation ID: 2942458). An algorithm developed to predict the effect of missense changes on protein structure and function (PolyPhen-2) suggests that this variant is likely to be disruptive. In summary, the available evidence is currently insufficient to determine the role of this variant in disease. Therefore, it has been classified as a Variant of Uncertain Significance.